The following is an entry in ClinVar:

ClinVar aggregate classification (germline): Uncertain significance (1 of 4 stars; one submission).

Submission:

Dasa
Classification: Uncertain significance. Last evaluated: 2025-02-13. Review status: criteria provided, single submitter. Criteria: DASA Assertion Criteria. Collection method: clinical testing. Allele origin: germline.
Comment: NM_000384.3(APOB):c.10346A>T (p.Lys3449Met) is a missense variant that results in the substitution of lysine with methionine. This variant is absent from population databases. The currently available literature and clinical evidence are not sufficient to establish a definitive association between this variant and the reported condition. Therefore, this variant is classified as a variant of uncertain significance.

NM_000384.3(APOB):c.10346A>T (p.Lys3449Met)

Gene: APOB (apolipoprotein B; minus strand). Cytogenetic location: 2p24.1.
Variant type: single nucleotide variant.
Coding change: c.10346A>T on transcript NM_000384.3 (MANE Select); coding-DNA position 10346, A replaced by T.
Protein change: p.Lys3449Met; replaces lysine 3449 with methionine.
Molecular consequence: missense variant.
Genome position (GRCh38, 1-based): chr2:21,006,522, T>A on the plus strand (A>T on the coding strand, the complement: APOB is on the minus strand). VCF-style: chr2-21006522-T-A. GRCh37 (hg19) VCF-style: chr2-21229394-T-A.
Other names: short protein forms K3449M.
Identifiers: ClinVar variation 4881933 (VCV004881933.2).